The following is an entry in ClinVar:

ClinVar aggregate classification (germline): Uncertain significance (1 of 4 stars; one submission).

Allele frequency attached by ClinVar (database versions not stated): gnomAD exomes below 0.00001; TOPMed below 0.00001; gnomAD 0.00001.

Submission:

Women's Health and Genetics/Laboratory Corporation of America, LabCorp
Classification: Uncertain significance. Last evaluated: 2024-03-19. Review status: criteria provided, single submitter. Criteria: LabCorp Variant Classification Summary - May 2015. Collection method: clinical testing. Allele origin: germline.
Comment: Variant summary: RPL10 c.*78C>T is located in the untranslated mRNA region downstream of the termination codon. The variant allele was found at a frequency of 5.4e-06 in 558298 control chromosomes. The available data on variant occurrences in the general population are insufficient to allow any conclusion about variant significance. To our knowledge, no occurrence of c.*78C>T in individuals affected with Intellectual Disability, X-Linked, Syndromic, 35 and no experimental evidence demonstrating its impact on protein function have been reported. No submitters have cited clinical-significance assessments for this variant to ClinVar. Based on the evidence outlined above, the variant was classified as uncertain significance.

NM_006013.5(RPL10):c.*78C>T

Gene: RPL10 (ribosomal protein L10; plus strand). Cytogenetic location: Xq28.
Variant type: single nucleotide variant.
Coding change: c.*78C>T on transcript NM_006013.5 (MANE Select); 78 bases downstream of the stop codon, C replaced by T.
Molecular consequence: 3 prime UTR variant. On other transcripts: missense variant (1).
Genome position (GRCh38, 1-based): chrX:154,400,932, C>T. VCF-style: chrX-154400932-C-T. GRCh37 (hg19) VCF-style: chrX-153629273-C-T.
Other names: c.560C>T, p.Thr187Ile (NM_001256577.2); c.*78C>T (NM_001256580.2, NM_001303624.2, NM_001303625.1); c.*274C>T (NM_001303626.1); short protein forms T187I.
Identifiers: ClinVar variation 3233871 (VCV003233871.2), dbSNP rs1312956120, ClinGen allele CA873326998.
Genomic context (GRCh38, chrX:154,400,932, plus strand): 5'-CCCCCCTCTTAATACTCACCAATAAATTCTACTTCCTGTCCACCTATGTCTTTGTATCTA[C>T]ATTCTTGACGGGGAAGGAACTTCCTCTGGGAACCTTTGGGTCATTGCCCTTTCACTTCAG-3'